The following is an entry in ClinVar:

NM_030665.4(RAI1):c.2885C>T (p.Pro962Leu)

Gene: RAI1 (retinoic acid induced 1; plus strand). Cytogenetic location: 17p11.2.
Variant type: single nucleotide variant.
Coding change: c.2885C>T on transcript NM_030665.4 (MANE Select); coding-DNA position 2885, C replaced by T.
Protein change: p.Pro962Leu; replaces proline 962 with leucine.
Molecular consequence: missense variant.
Genome position (GRCh38, 1-based): chr17:17,795,833, C>T. VCF-style: chr17-17795833-C-T. GRCh37 (hg19) VCF-style: chr17-17699147-C-T.
Other names: short protein forms P962L.
Identifiers: ClinVar variation 1326813 (VCV001326813.7), dbSNP rs1198795075, ClinGen allele CA398552208.

ClinVar aggregate classification (germline): Conflicting classifications of pathogenicity. Review status: criteria provided, conflicting classifications (1 of 4 stars). 3 submissions from 3 submitters: Uncertain significance (2); Benign (1). Last evaluated 2025-04-08.

Conditions:
Inborn genetic diseases. Identifiers: MedGen C0950123, MeSH D030342.

Allele frequency attached by ClinVar (database versions not stated): gnomAD 0.00001; TOPMed 0.00002.
gnomAD v4.1: 1 of 1,613,380 alleles (0.000062%); highest among the groups gnomAD compares: African/African-American, 0.0013%; no homozygotes.

Submissions (3):

Labcorp Genetics (formerly Invitae), Labcorp
Classification: Benign. Last evaluated: 2025-04-08. Review status: criteria provided, single submitter. Criteria: Invitae Variant Classification Sherloc (09022015). Collection method: clinical testing. Allele origin: germline.

Ambry Genetics
Classification: Uncertain significance for Inborn genetic diseases. Last evaluated: 2024-02-28. Review status: criteria provided, single submitter. Criteria: Ambry Variant Classification Scheme 2023. Collection method: clinical testing. Allele origin: germline.

GeneDx
Classification: Uncertain significance. Last evaluated: 2021-05-28. Review status: criteria provided, single submitter. Criteria: GeneDx Variant Classification Process June 2021. Collection method: clinical testing. Allele origin: germline. Affected: yes.
Comment: Not observed at significant frequency in large population cohorts (Lek et al., 2016); In silico analysis supports that this missense variant has a deleterious effect on protein structure/function; Has not been previously published as pathogenic or benign to our knowledge; This variant is associated with the following publications: (PMID: 27535533)